The following is an entry in ClinVar:

NM_152617.4(RNF168):c.1711A>G (p.Lys571Glu)

Gene: RNF168 (ring finger protein 168; minus strand). Cytogenetic location: 3q29.
Variant type: single nucleotide variant.
Coding change: c.1711A>G on transcript NM_152617.4 (MANE Select); coding-DNA position 1711, A replaced by G.
Protein change: p.Lys571Glu; replaces lysine 571 with glutamic acid.
Molecular consequence: missense variant.
Genome position (GRCh38, 1-based): chr3:196,471,824, T>C on the plus strand (A>G on the coding strand, the complement: RNF168 is on the minus strand). VCF-style: chr3-196471824-T-C. GRCh37 (hg19) VCF-style: chr3-196198695-T-C.
Other names: short protein forms K571E.
Identifiers: ClinVar variation 3703197 (VCV003703197.2).

ClinVar aggregate classification (germline): Uncertain significance (1 of 4 stars; one submission).

gnomAD v4.1: 7 of 1,606,576 alleles (0.00044%); highest among the groups gnomAD compares: Non-Finnish European, 0.0006%; no homozygotes.

Submission:

Labcorp Genetics (formerly Invitae), Labcorp
Classification: Uncertain significance. Last evaluated: 2024-11-25. Review status: criteria provided, single submitter. Criteria: Invitae Variant Classification Sherloc (09022015). Collection method: clinical testing. Allele origin: germline.
Comment: This sequence change replaces lysine, which is basic and polar, with glutamic acid, which is acidic and polar, at codon 571 of the RNF168 protein (p.Lys571Glu). This variant is present in population databases (rs756227814, gnomAD 0.003%). This variant has not been reported in the literature in individuals affected with RNF168-related conditions. An algorithm developed to predict the effect of missense changes on protein structure and function (PolyPhen-2) suggests that this variant is likely to be tolerated. In summary, the available evidence is currently insufficient to determine the role of this variant in disease. Therefore, it has been classified as a Variant of Uncertain Significance.